The following is an entry in ClinVar:

NM_000245.4(MET):c.1882C>T (p.Pro628Ser)

Gene: MET (MET proto-oncogene, receptor tyrosine kinase; plus strand). Cytogenetic location: 7q31.2.
Variant type: single nucleotide variant.
Coding change: c.1882C>T on transcript NM_000245.4 (MANE Select); coding-DNA position 1882, C replaced by T.
Protein change: p.Pro628Ser; replaces proline 628 with serine.
Molecular consequence: missense variant.
Genome position (GRCh38, 1-based): chr7:116,757,456, C>T. VCF-style: chr7-116757456-C-T. GRCh37 (hg19) VCF-style: chr7-116397510-C-T.
Other names: c.1882C>T, p.Pro628Ser (NM_001127500.3, NM_001324401.3); c.592C>T, p.Pro198Ser (NM_001324402.2); short protein forms P198S, P628S.
Identifiers: ClinVar variation 4854822 (VCV004854822.2).

ClinVar aggregate classification (germline): Uncertain significance. Review status: criteria provided, multiple submitters, no conflicts (2 of 4 stars). 2 submissions from 2 submitters: Uncertain significance (2). Last evaluated 2026-07-06.

Conditions:
Papillary renal cell carcinoma type 1 (RCCP1). Also called: RENAL CELL CARCINOMA, PAPILLARY, 1, SOMATIC; Renal adenocarcinoma; Renal cell carcinoma 1; Renal cell carcinoma, somatic. Identifiers: Orphanet 47044, MedGen C1336839, OMIM 605074, HP:0011797.
Hereditary cancer-predisposing syndrome. Also called: Neoplastic Syndromes, Hereditary; Tumor predisposition; Hereditary Cancer Syndrome; Hereditary neoplastic syndrome. Identifiers: Orphanet 140162, MedGen C0027672, MeSH D009386, MONDO:0015356.

Submissions (2):

Ambry Genetics
Classification: Uncertain significance for Hereditary cancer-predisposing syndrome. Last evaluated: 2026-07-06. Review status: criteria provided, single submitter. Criteria: Ambry Variant Classification Scheme 2023. Collection method: clinical testing. Allele origin: germline.
Comment: The p.P628S variant (also known as c.1882C>T), located in coding exon 6 of the MET gene, results from a C to T substitution at nucleotide position 1882. The proline at codon 628 is replaced by serine, an amino acid with similar properties. This amino acid position is not well conserved in available vertebrate species. In addition, this alteration is predicted to be tolerated by in silico analysis. Based on the available evidence, the clinical significance of this variant remains unclear.

3billion
Classification: Uncertain significance for Papillary renal cell carcinoma type 1. Last evaluated: 2025-11-24. Review status: criteria provided, single submitter. Criteria: ACMG Guidelines, 2015. Collection method: clinical testing. Allele origin: germline. Affected: yes.
Comment: The variant is not observed in the gnomAD v4.1.0 dataset. Predicted Consequence/Location: Missense variant. Missense changes are a common disease-causing mechanism. In silico tool predictions suggest no damaging effect of the variant on gene or gene product [REVEL: 0.29 (<0.4); 3Cnet: 0.00 (<0.1, specificity 0.84 and negative predicitive value 0.97)]. Different missense changes at the same codon have been reported as of uncertain significance (ClinVar ID: VCV003294348). Therefore, this variant is classified as VUS according to the recommendation of ACMG/AMP guideline.